The following is an entry in ClinVar:

ClinVar aggregate classification (germline): Uncertain significance. Review status: criteria provided, multiple submitters, no conflicts (2 of 4 stars). 3 submissions from 2 submitters: Uncertain significance (3). Last evaluated 2023-02-06.

Conditions:
Thrombocytopenia. Identifiers: MedGen C0040034, MeSH D013921, MONDO:0002049, HP:0001873.
MYH9-related disorder. Identifiers: MedGen C1854520.

Allele frequency attached by ClinVar (database versions not stated): ExAC 0.00001; gnomAD 0.00001; gnomAD exomes 0.00001.
gnomAD v4.1: 9 of 1,609,566 alleles (0.00056%); no homozygotes.

Submissions (3):

Blueprint Genetics
Classification: Uncertain significance. Last evaluated: 2023-02-06. Review status: criteria provided, single submitter. Criteria: ACMG Guidelines, 2015. Collection method: clinical testing. Allele origin: germline.

NIHR Bioresource Rare Diseases, University of Cambridge
Classification: Uncertain significance for Thrombocytopenia. Last evaluated: 2019-02-01. Review status: criteria provided, single submitter. Criteria: ACMG Guidelines, 2015. Collection method: research. Allele origin: unknown. Affected: yes. Observed: 1 compound heterozygote. Study: ThromboGenomics.

NIHR Bioresource Rare Diseases, University of Cambridge
Classification: Uncertain significance for MYH9-related disorder. Last evaluated: 2018-12-12. Review status: criteria provided, single submitter. Criteria: ACMG Guidelines, 2015. Collection method: research. Allele origin: unknown. Affected: yes. Observed: 1 variant allele.
Comment: PM2

Literature cited by the submitters: PubMed 31064749 (cited by NIHR Bioresource Rare Diseases, University of Cambridge).

NM_002473.6(MYH9):c.2761G>A (p.Glu921Lys)

Genes: MYH9 (myosin heavy chain 9; minus strand), LOC126863137 (CDK7 strongly-dependent group 2 enhancer GRCh37_chr22:36696002-36697201; plus strand). Cytogenetic location: 22q12.3.
Variant type: single nucleotide variant.
Coding change: c.2761G>A on transcript NM_002473.6 (MANE Select); coding-DNA position 2761, G replaced by A.
Protein change: p.Glu921Lys; replaces glutamic acid 921 with lysine.
Molecular consequence: missense variant.
Genome position (GRCh38, 1-based): chr22:36,300,928, C>T on the plus strand (G>A on the coding strand, the complement: MYH9 is on the minus strand). VCF-style: chr22-36300928-C-T. GRCh37 (hg19) VCF-style: chr22-36696974-C-T.
Other names: short protein forms E921K.
Identifiers: ClinVar variation 623097 (VCV000623097.5), dbSNP rs775434135, ClinGen allele CA10209879.